The following is an entry in ClinVar:

ClinVar aggregate classification (germline): Conflicting classifications of pathogenicity. Review status: criteria provided, conflicting classifications (1 of 4 stars). 2 submissions from 2 submitters: Uncertain significance (1); Likely benign (1). Last evaluated 2025-04-29.

Conditions:
PAX3-related disorder. Also called: PAX3-related condition.

Submissions (2):

PreventionGenetics, part of Exact Sciences
Classification: Likely benign for PAX3-related condition. Last evaluated: 2025-04-29. Review status: criteria provided, single submitter. Criteria: ACMG Guidelines, 2015. Collection method: clinical testing. Allele origin: germline.
Comment: This variant is classified as likely benign based on ACMG/AMP sequence variant interpretation guidelines (Richards et al. 2015 PMID: 25741868, with internal and published modifications).

Laboratory for Molecular Medicine, Mass General Brigham Personalized Medicine
Classification: Uncertain significance. Last evaluated: 2016-03-03. Review status: criteria provided, single submitter. Criteria: LMM Criteria. Collection method: clinical testing. Allele origin: germline. Observed: 1 variant allele.
Comment: The c.1174-3delT variant in PAX3 has not been previously reported in individuals with hearing loss, but has been identified in 1/10046 of South Asian chromosome s by the Exome Aggregation Consortium (ExAC; dbS NP rs749733628). Although this variant has been seen in the general population, its frequency is not high enough to rule out a pathogenic role. The c.1174-3delT variant is located in the 3' splice region. Computational tools do not suggest an impact to splicing. However, this information is not predictive enough to rul e out pathogenicity. In summary, the clinical significance of the c.1174-3delT v ariant is uncertain.

NM_181458.4(PAX3):c.1174-3del

Gene: PAX3 (paired box 3; minus strand). Cytogenetic location: 2q36.1.
Variant type: Deletion.
Coding change: c.1174-3del on transcript NM_181458.4 (MANE Select); 3 bases into the intron before coding-DNA position 1174, one base deleted (T; older notation c.1174-3delT).
Molecular consequence: intron variant.
Genome position (GRCh38, 1-based): chr2:222,202,193, A deleted on the plus strand (T on the coding strand, the reverse complement: PAX3 is on the minus strand); the first of 7 consecutive A bases (chr2:222,202,193-222,202,199); deleting any one gives the same sequence. VCF-style (leftmost placement, unchanged base first): chr2-222202192-TA-T. GRCh37 (hg19) VCF-style: chr2-223066911-TA-T.
Other names: c.1171-3del (NM_001127366.3); c.1174-751del (NM_181460.4, NM_181461.4); c.1174-3del (NM_181459.4, NM_181457.4).
Identifiers: ClinVar variation 229128 (VCV000229128.6), dbSNP rs749733628, ClinGen allele CA2135467.